The following is an entry in ClinVar:

NM_001371928.1(AHDC1):c.4368C>T (p.Tyr1456=)

Gene: AHDC1 (AT-hook DNA binding motif containing 1; minus strand). Cytogenetic location: 1p36.11.
Variant type: single nucleotide variant.
Coding change: c.4368C>T on transcript NM_001371928.1 (MANE Select); coding-DNA position 4368, C replaced by T.
Protein change: p.Tyr1456=; no amino-acid change (tyrosine 1456 retained).
Molecular consequence: synonymous variant.
Genome position (GRCh38, 1-based): chr1:27,547,748, G>A on the plus strand (C>T on the coding strand, the complement: AHDC1 is on the minus strand). VCF-style: chr1-27547748-G-A. GRCh37 (hg19) VCF-style: chr1-27874259-G-A.
Other names: c.4368C>T, p.Tyr1456= (NM_001029882.3).
Identifiers: ClinVar variation 717259 (VCV000717259.13), dbSNP rs200725386, ClinGen allele CA715374.
Genomic context (GRCh38, chr1:27,547,748, plus strand): 5'-GCTGCGGGCAGCTGAGCCTGGAGGGTACCAATAGGCTGTGCCCTTGCAGCTGGGGGAATC[G>A]TAGTGGGGCTGGCCCAGCGGCAGGTCCCGGCAGCTCAGGTGGGCCTGGGCTGCAGCTGCG-3'
Protein context (NP_001358857.1, residues 1446-1466): CRDLPLGQPH[Tyr1456=]DSPSCKGTAY

ClinVar aggregate classification (germline): Benign/Likely benign. Review status: criteria provided, multiple submitters, no conflicts (2 of 4 stars). 3 submissions from 3 submitters: Benign (1); Likely benign (1). 1 of the submissions does not count toward it. Last evaluated 2026-04-01.

Conditions:
AHDC1-related disorder. Also called: AHDC1-related condition.

Allele frequency attached by ClinVar (database versions not stated): gnomAD 0.00040 and 0.00051; gnomAD exomes 0.00041 and 0.00097; TOPMed 0.00108; 1000 Genomes Project 30x 0.00141; ExAC 0.00144; 1000 Genomes Project 0.00160.
gnomAD v4.1: 655 of 1,592,326 alleles (0.041%); highest among the groups gnomAD compares: East Asian, 1.2%; no homozygotes.

Submissions (3):

CeGaT Center for Human Genetics Tuebingen
Classification: Likely benign. Last evaluated: 2026-04-01. Review status: criteria provided, single submitter. Criteria: CeGaT Center For Human Genetics Tuebingen Variant Classification Criteria Version 2. Collection method: clinical testing. Allele origin: germline. Affected: yes. Observed: 1 variant allele.
Comment: AHDC1: BP4, BP7, BS1

Labcorp Genetics (formerly Invitae), Labcorp
Classification: Benign. Last evaluated: 2025-12-05. Review status: criteria provided, single submitter. Criteria: Invitae Variant Classification Sherloc (09022015). Collection method: clinical testing. Allele origin: germline.

PreventionGenetics, part of Exact Sciences
Classification: Benign for AHDC1-related condition. Last evaluated: 2019-03-28. Review status: no assertion criteria provided. Collection method: clinical testing. Allele origin: germline. Not counted in ClinVar's aggregate classification.
Comment: This variant is classified as benign based on ACMG/AMP sequence variant interpretation guidelines (Richards et al. 2015 PMID: 25741868, with internal and published modifications).